The following is an entry in ClinVar:

NM_006231.4(POLE):c.5678+6G>A

Gene: POLE (DNA polymerase epsilon, catalytic subunit; minus strand). Cytogenetic location: 12q24.33.
Variant type: single nucleotide variant.
Coding change: c.5678+6G>A on transcript NM_006231.4 (MANE Select); 6 bases into the intron after coding-DNA position 5678, G replaced by A.
Molecular consequence: intron variant.
Genome position (GRCh38, 1-based): chr12:132,638,008, C>T on the plus strand (G>A on the coding strand, the complement: POLE is on the minus strand). VCF-style: chr12-132638008-C-T. GRCh37 (hg19) VCF-style: chr12-133214594-C-T.
Identifiers: ClinVar variation 682340 (VCV000682340.8), dbSNP rs551185075, ClinGen allele CA915946803.

ClinVar aggregate classification (germline): Conflicting classifications of pathogenicity. Review status: criteria provided, conflicting classifications (1 of 4 stars). 2 submissions from 2 submitters: Uncertain significance (1); Likely benign (1). Last evaluated 2023-11-01.

gnomAD v4.1: 3 of 1,613,278 alleles (0.00019%); highest among the groups gnomAD compares: Non-Finnish European, 0.00025%; no homozygotes.

Submissions (2):

Labcorp Genetics (formerly Invitae), Labcorp
Classification: Uncertain significance. Last evaluated: 2023-11-01. Review status: criteria provided, single submitter. Criteria: Invitae Variant Classification Sherloc (09022015). Collection method: clinical testing. Allele origin: germline.
Comment: This sequence change falls in intron 41 of the POLE gene. It does not directly change the encoded amino acid sequence of the POLE protein. It affects a nucleotide within the consensus splice site. This variant is not present in population databases (gnomAD no frequency). This variant has not been reported in the literature in individuals affected with POLE-related conditions. ClinVar contains an entry for this variant (Variation ID: 682340). Variants that disrupt the consensus splice site are a relatively common cause of aberrant splicing (PMID: 17576681, 9536098). Algorithms developed to predict the effect of sequence changes on RNA splicing suggest that this variant is not likely to affect RNA splicing. In summary, the available evidence is currently insufficient to determine the role of this variant in disease. Therefore, it has been classified as a Variant of Uncertain Significance.

GeneDx
Classification: Likely benign. Last evaluated: 2018-04-18. Review status: criteria provided, single submitter. Criteria: GeneDx Variant Classification (06012015). Collection method: clinical testing. Allele origin: germline. Affected: yes.
Comment: This variant is considered likely benign or benign based on one or more of the following criteria: it is a conservative change, it occurs at a poorly conserved position in the protein, it is predicted to be benign by multiple in silico algorithms, and/or has population frequency not consistent with disease.

Literature cited by the submitters: PubMed 17576681 (cited by Labcorp Genetics (formerly Invitae), Labcorp); PubMed 9536098 (cited by Labcorp Genetics (formerly Invitae), Labcorp).